The following is an entry in ClinVar:

NM_032620.4(GTPBP3):c.86C>T (p.Ala29Val)

Gene: GTPBP3 (GTP binding protein 3, mitochondrial; plus strand). Cytogenetic location: 19p13.11.
Variant type: single nucleotide variant.
Coding change: c.86C>T on transcript NM_032620.4 (MANE Select); coding-DNA position 86, C replaced by T.
Protein change: p.Ala29Val; replaces alanine 29 with valine.
Molecular consequence: missense variant.
Genome position (GRCh38, 1-based): chr19:17,338,040, C>T. VCF-style: chr19-17338040-C-T. GRCh37 (hg19) VCF-style: chr19-17448849-C-T.
Other names: c.86C>T, p.Ala29Val (NM_001128855.3, NM_133644.4); c.152C>T, p.Ala51Val (NM_001195422.1); short protein forms A29V, A51V.
Identifiers: ClinVar variation 1397434 (VCV001397434.7), dbSNP rs1414285372, ClinGen allele CA404731497.
Genomic context (GRCh38, chr19:17,338,040, plus strand): 5'-CGCTGATTCGCCTCCCCTCCGGTTCCAGATTGTGCACGCGCCGGAGCAGCGGCGCACCAG[C>T]CCCCGGCTCCGGCGCCACCATCTTCGCGCTAAGCTCTGGCCAAGGCCGCTGCGGCATCGC-3'
Protein context (NP_116009.2, residues 19-39): LCTRRSSGAP[Ala29Val]PGSGATIFAL

ClinVar aggregate classification (germline): Uncertain significance (1 of 4 stars; one submission).

Allele frequency attached by ClinVar (database versions not stated): gnomAD exomes below 0.00001; gnomAD 0.00002; TOPMed 0.00002.
gnomAD v4.1: 13 of 1,597,706 alleles (0.00081%); highest among the groups gnomAD compares: African/African-American, 0.0013%; no homozygotes.

Submission:

Labcorp Genetics (formerly Invitae), Labcorp
Classification: Uncertain significance. Last evaluated: 2024-05-15. Review status: criteria provided, single submitter. Criteria: Invitae Variant Classification Sherloc (09022015). Collection method: clinical testing. Allele origin: germline.
Comment: This sequence change replaces alanine, which is neutral and non-polar, with valine, which is neutral and non-polar, at codon 29 of the GTPBP3 protein (p.Ala29Val). This variant is present in population databases (no rsID available, gnomAD 0.004%). This variant has not been reported in the literature in individuals affected with GTPBP3-related conditions. ClinVar contains an entry for this variant (Variation ID: 1397434). Algorithms developed to predict the effect of missense changes on protein structure and function output the following: SIFT: "Not Available"; PolyPhen-2: "Benign"; Align-GVGD: "Not Available". The valine amino acid residue is found in multiple mammalian species, which suggests that this missense change does not adversely affect protein function. In summary, the available evidence is currently insufficient to determine the role of this variant in disease. Therefore, it has been classified as a Variant of Uncertain Significance.